The following is an entry in ClinVar:

ClinVar aggregate classification (germline): Likely benign (1 of 4 stars; one submission).

Submission:

CeGaT Center for Human Genetics Tuebingen
Classification: Likely benign. Last evaluated: 2025-11-01. Review status: criteria provided, single submitter. Criteria: CeGaT Center For Human Genetics Tuebingen Variant Classification Criteria Version 2. Collection method: clinical testing. Allele origin: germline. Affected: yes. Observed: 1 variant allele.
Comment: AR: BS2

NM_000044.6(AR):c.170_175del (p.Leu57_Gln58del)

Genes: AR (androgen receptor; plus strand), LOC109504725 (androgen receptor repeat instability region; plus strand). Cytogenetic location: Xq12.
Variant type: Deletion.
Coding change: c.170_175del on transcript NM_000044.6 (MANE Select); coding-DNA positions 170 to 175, 6 bases deleted (TGCAGC; older notation c.170_175delTGCAGC).
Protein change: p.Leu57_Gln58del.
Molecular consequence: inframe deletion. On other transcripts: 5 prime UTR variant (1).
Genome position (GRCh38, 1-based): chrX:67,545,316-67,545,321, TGCAGC deleted; deleting any 6 consecutive bases within chrX:67,545,314-67,545,321 gives the same sequence; the c. name uses the placement nearest the transcript's 3' end. VCF-style (leftmost placement, unchanged base first): chrX-67545313-TGCTGCA-T. GRCh37 (hg19) VCF-style: chrX-66765155-TGCTGCA-T.
Other names: c.-1614_-1609del (NM_001011645.3); c.170_175del, p.Leu57_Gln58del (NM_001348061.1, NM_001348063.1, NM_001348064.1).
Identifiers: ClinVar variation 4533678 (VCV004533678.6).